The following is an entry in ClinVar:

NM_000138.5(FBN1):c.1100C>T (p.Ser367Phe)

Genes: FBN1 (fibrillin 1; minus strand), LOC113939944 (Sharpr-MPRA regulatory region 9539; plus strand). Cytogenetic location: 15q21.1.
Variant type: single nucleotide variant.
Coding change: c.1100C>T on transcript NM_000138.5 (MANE Select); coding-DNA position 1100, C replaced by T.
Protein change: p.Ser367Phe; replaces serine 367 with phenylalanine.
Molecular consequence: missense variant.
Genome position (GRCh38, 1-based): chr15:48,520,706, G>A on the plus strand (C>T on the coding strand, the complement: FBN1 is on the minus strand). VCF-style: chr15-48520706-G-A. GRCh37 (hg19) VCF-style: chr15-48812903-G-A.
Other names: c.1100C>T, p.Ser367Phe (NM_001406716.1); short protein forms S367F.
Identifiers: ClinVar variation 2193954 (VCV002193954.7), dbSNP rs2043845529, ClinGen allele CA392347328.

ClinVar aggregate classification (germline): Uncertain significance. Review status: criteria provided, multiple submitters, no conflicts (2 of 4 stars). 3 submissions from 3 submitters: Uncertain significance (3). Last evaluated 2023-10-02.

Conditions:
Marfan syndrome (MFS). Also called: MARFAN SYNDROME, TYPE I; Marfan syndrome type 1; Marfan's syndrome; Marfan syndrome, classic; FBN1-Related Marfan Syndrome. Identifiers: Orphanet 284963, Orphanet 558, MedGen C0024796, MONDO:0007947, OMIM 154700.
Familial thoracic aortic aneurysm and aortic dissection (TAAD). Also called: Thoracic aortic aneurysms and dissections. Identifiers: Orphanet 91387, MedGen C4707243, MONDO:0019625.

Submissions (3):

All of Us Research Program, National Institutes of Health
Classification: Uncertain significance for Marfan syndrome. Last evaluated: 2023-10-02. Review status: criteria provided, single submitter. Criteria: ACMG Guidelines, 2015. Collection method: clinical testing. Allele origin: germline. Inheritance: Autosomal dominant inheritance. Observed: 1 variant allele, 1 heterozygote.
Comment: This missense variant replaces serine with phenylalanine at codon 367 of the FBN1 protein. Computational prediction suggests that this variant may have deleterious impact on protein structure and function (internally defined REVEL score threshold >= 0.7, PMID: 27666373). To our knowledge, functional studies have not been reported for this variant. This variant has been reported in an individual who was affected with generalized epilepsy and experienced sudden unexpected death (PMID: 26423924). This variant has not been identified in the general population by the Genome Aggregation Database (gnomAD). The available evidence is insufficient to determine the role of this variant in disease conclusively. Therefore, this variant is classified as a Variant of Uncertain Significance.

This study involves interpretation of variants in research participants for the purpose of population health screening. Participant phenotype was not available at the time of variant classification. Additional details can be found in publication PMID: 35346344, PMCID: PMC8962531

Ambry Genetics
Classification: Uncertain significance for Familial thoracic aortic aneurysm and aortic dissection. Last evaluated: 2022-11-10. Review status: criteria provided, single submitter. Criteria: Ambry Variant Classification Scheme 2023. Collection method: clinical testing. Allele origin: germline.
Comment: The p.S367F variant (also known as c.1100C>T), located in coding exon 9 of the FBN1 gene, results from a C to T substitution at nucleotide position 1100. The serine at codon 367 is replaced by phenylalanine, an amino acid with highly dissimilar properties. This variant has been detected in a proband from a sudden unexpected death in epilepsy cohort who was not indicated as having cardiovascular findings and carried additional genetic variants (Coll M et al. Int J Legal Med, 2016 Mar;130:331-9). This amino acid position is well conserved in available vertebrate species. In addition, the in silico prediction for this alteration is inconclusive. Since supporting evidence is limited at this time, the clinical significance of this alteration remains unclear.

Labcorp Genetics (formerly Invitae), Labcorp
Classification: Uncertain significance for Marfan syndrome; Familial thoracic aortic aneurysm and aortic dissection. Last evaluated: 2022-10-02. Review status: criteria provided, single submitter. Criteria: Invitae Variant Classification Sherloc (09022015). Collection method: clinical testing. Allele origin: germline.
Comment: In summary, the available evidence is currently insufficient to determine the role of this variant in disease. Therefore, it has been classified as a Variant of Uncertain Significance. This sequence change replaces serine, which is neutral and polar, with phenylalanine, which is neutral and non-polar, at codon 367 of the FBN1 protein (p.Ser367Phe). This variant is not present in population databases (gnomAD no frequency). This variant has not been reported in the literature in individuals affected with FBN1-related conditions. Advanced modeling of protein sequence and biophysical properties (such as structural, functional, and spatial information, amino acid conservation, physicochemical variation, residue mobility, and thermodynamic stability) performed at Invitae indicates that this missense variant is expected to disrupt FBN1 protein function.

Literature cited by the submitters: PubMed 26423924 (cited by All of Us Research Program, National Institutes of Health and Ambry Genetics).